The following is an entry in ClinVar:

ClinVar aggregate classification (germline): Uncertain significance (1 of 4 stars; one submission).

Allele frequency attached by ClinVar (database versions not stated): gnomAD exomes below 0.00001; TOPMed 0.00002; gnomAD 0.00003.
gnomAD v4.1: 10 of 1,606,708 alleles (0.00062%); highest among the groups gnomAD compares: Non-Finnish European, 0.00076%; no homozygotes.

Submission:

Labcorp Genetics (formerly Invitae), Labcorp
Classification: Uncertain significance. Last evaluated: 2022-09-13. Review status: criteria provided, single submitter. Criteria: Invitae Variant Classification Sherloc (09022015). Collection method: clinical testing. Allele origin: germline.
Comment: This sequence change replaces arginine, which is basic and polar, with lysine, which is basic and polar, at codon 139 of the SLC24A1 protein (p.Arg139Lys). The frequency data for this variant in the population databases is considered unreliable, as metrics indicate poor data quality at this position in the gnomAD database. This variant has not been reported in the literature in individuals affected with SLC24A1-related conditions. Algorithms developed to predict the effect of missense changes on protein structure and function output the following: SIFT: "Tolerated"; PolyPhen-2: "Benign"; Align-GVGD: "Class C0". The lysine amino acid residue is found in multiple mammalian species, which suggests that this missense change does not adversely affect protein function. In summary, the available evidence is currently insufficient to determine the role of this variant in disease. Therefore, it has been classified as a Variant of Uncertain Significance.

NM_004727.3(SLC24A1):c.416G>A (p.Arg139Lys)

Gene: SLC24A1 (solute carrier family 24 member 1; plus strand). Cytogenetic location: 15q22.31.
Variant type: single nucleotide variant.
Coding change: c.416G>A on transcript NM_004727.3 (MANE Select); coding-DNA position 416, G replaced by A.
Protein change: p.Arg139Lys; replaces arginine 139 with lysine.
Molecular consequence: missense variant.
Genome position (GRCh38, 1-based): chr15:65,624,496, G>A. VCF-style: chr15-65624496-G-A. GRCh37 (hg19) VCF-style: chr15-65916834-G-A.
Other names: c.416G>A, p.Arg139Lys (NM_001301031.1, NM_001301032.1, NM_001301033.2 and 1 more transcripts); short protein forms R139K.
Identifiers: ClinVar variation 1942234 (VCV001942234.5), dbSNP rs1001642304, ClinGen allele CA271587594.